The following is an entry in ClinVar:

ClinVar aggregate classification (germline): Uncertain significance (1 of 4 stars; one submission).

Conditions:
Autosomal dominant nocturnal frontal lobe epilepsy 5. Also called: Epilepsy, nocturnal frontal lobe, 5; CILIARY DYSKINESIA, PRIMARY, 28, WITHOUT SITUS INVERSUS; CILIARY DYSKINESIA, PRIMARY, 28, WITH SITUS INVERSUS; KCNT1-Related Epilepsy. Identifiers: Orphanet 98784, MedGen C3554306, MONDO:0014002, OMIM 615005.
Developmental and epileptic encephalopathy, 14 (DEE14). Also called: Early infantile epileptic encephalopathy 14. Identifiers: Orphanet 293181, MedGen C3554195, MONDO:0013989, OMIM 614959.

Allele frequency attached by ClinVar (database versions not stated): gnomAD exomes 0.00001; ExAC 0.00003.
gnomAD v4.1: 5 of 1,611,538 alleles (0.00031%); highest among the groups gnomAD compares: South Asian, 0.0033%; no homozygotes.

Submission:

Labcorp Genetics (formerly Invitae), Labcorp
Classification: Uncertain significance for Autosomal dominant nocturnal frontal lobe epilepsy 5; Developmental and epileptic encephalopathy, 14. Last evaluated: 2024-05-28. Review status: criteria provided, single submitter. Criteria: Invitae Variant Classification Sherloc (09022015). Collection method: clinical testing. Allele origin: germline.
Comment: This sequence change replaces cysteine, which is neutral and slightly polar, with tyrosine, which is neutral and polar, at codon 1069 of the KCNT1 protein (p.Cys1069Tyr). This variant is present in population databases (rs749242512, gnomAD 0.007%). This missense change has been observed in individual(s) with clinical features of KCNT1-related disorders (Invitae). Advanced modeling of protein sequence and biophysical properties (such as structural, functional, and spatial information, amino acid conservation, physicochemical variation, residue mobility, and thermodynamic stability) performed at Invitae indicates that this missense variant is not expected to disrupt KCNT1 protein function with a negative predictive value of 80%. In summary, the available evidence is currently insufficient to determine the role of this variant in disease. Therefore, it has been classified as a Variant of Uncertain Significance.

NM_020822.3(KCNT1):c.3206G>A (p.Cys1069Tyr)

Gene: KCNT1 (potassium sodium-activated channel subfamily T member 1; plus strand). Cytogenetic location: 9q34.3.
Variant type: single nucleotide variant.
Coding change: c.3206G>A on transcript NM_020822.3 (MANE Select); coding-DNA position 3206, G replaced by A.
Protein change: p.Cys1069Tyr; replaces cysteine 1069 with tyrosine.
Molecular consequence: missense variant.
Genome position (GRCh38, 1-based): chr9:135,786,225, G>A. VCF-style: chr9-135786225-G-A. GRCh37 (hg19) VCF-style: chr9-138678071-G-A.
Other names: c.3071G>A, p.Cys1024Tyr (NM_001272003.2); short protein forms C1024Y, C1069Y.
Identifiers: ClinVar variation 2939599 (VCV002939599.3), dbSNP rs749242512, ClinGen allele CA5327748.